The following is an entry in ClinVar:

NM_032119.4(ADGRV1):c.124G>A (p.Val42Ile)

Gene: ADGRV1 (adhesion G protein-coupled receptor V1; plus strand). Cytogenetic location: 5q14.3.
Variant type: single nucleotide variant.
Coding change: c.124G>A on transcript NM_032119.4 (MANE Select); coding-DNA position 124, G replaced by A.
Protein change: p.Val42Ile; replaces valine 42 with isoleucine.
Molecular consequence: missense variant. On other transcripts: non-coding transcript variant (1).
Genome position (GRCh38, 1-based): chr5:90,614,936, G>A. VCF-style: chr5-90614936-G-A. GRCh37 (hg19) VCF-style: chr5-89910753-G-A.
Other names: c.124G>A (NM_032119.3); short protein forms V42I.
Identifiers: ClinVar variation 1477728 (VCV001477728.7), dbSNP rs529913709, ClinGen allele CA3338390.
Genomic context (GRCh38, chr5:90,614,936, plus strand): 5'-TTACTCATCCTATTTGTGTTTGGAGAAACAGAAATAAGATTTACTGGACAAACTGAATTT[G>A]TTGTTAATGAAACAAGTACAACAGTTATTCGTCTTATCATTGAAAGGATAGGAGAGCCAG-3'
Protein context (NP_115495.3, residues 32-52): EIRFTGQTEF[Val42Ile]VNETSTTVIR

ClinVar aggregate classification (germline): Uncertain significance. Review status: criteria provided, multiple submitters, no conflicts (2 of 4 stars). 2 submissions from 2 submitters: Uncertain significance (2). Last evaluated 2025-02-01.

Conditions:
ADGRV1-related disorder. Also called: ADGRV1-related condition; ADGRV1-related disorders.

Allele frequency attached by ClinVar (database versions not stated): ExAC 0.00001; 1000 Genomes Project 30x 0.00016; 1000 Genomes Project 0.00020; gnomAD exomes below 0.00001.
gnomAD v4.1: 38 of 1,599,040 alleles (0.0024%); highest among the groups gnomAD compares: East Asian, 0.083%; no homozygotes.

Submissions (2):

PreventionGenetics, part of Exact Sciences
Classification: Uncertain significance for ADGRV1-related condition. Last evaluated: 2025-02-01. Review status: criteria provided, single submitter. Criteria: ACMG Guidelines, 2015. Collection method: clinical testing. Allele origin: germline.
Comment: The ADGRV1 c.124G>A variant is predicted to result in the amino acid substitution p.Val42Ile. To our knowledge, this variant has not been reported in the literature. This variant is reported in 0.0057% of alleles in individuals of East Asian descent in gnomAD. At this time, the clinical significance of this variant is uncertain due to the absence of conclusive functional and genetic evidence.

Labcorp Genetics (formerly Invitae), Labcorp
Classification: Uncertain significance. Last evaluated: 2022-09-06. Review status: criteria provided, single submitter. Criteria: Invitae Variant Classification Sherloc (09022015). Collection method: clinical testing. Allele origin: germline.
Comment: Algorithms developed to predict the effect of missense changes on protein structure and function output the following: SIFT: "Tolerated"; PolyPhen-2: "Benign"; Align-GVGD: "Class C0". The isoleucine amino acid residue is found in multiple mammalian species, which suggests that this missense change does not adversely affect protein function. ClinVar contains an entry for this variant (Variation ID: 1477728). This variant has not been reported in the literature in individuals affected with ADGRV1-related conditions. This variant is present in population databases (rs529913709, gnomAD 0.006%). This sequence change replaces valine, which is neutral and non-polar, with isoleucine, which is neutral and non-polar, at codon 42 of the ADGRV1 protein (p.Val42Ile). In summary, the available evidence is currently insufficient to determine the role of this variant in disease. Therefore, it has been classified as a Variant of Uncertain Significance.